The following is an entry in ClinVar:

ClinVar aggregate classification (germline): Pathogenic (1 of 4 stars; one submission).

Conditions:
Duchenne muscular dystrophy (DMD). Also called: MUSCULAR DYSTROPHY, PSEUDOHYPERTROPHIC PROGRESSIVE, DUCHENNE TYPE; Duchenne Muscular Dystrophy (DMD). Identifiers: Orphanet 98896, MedGen C0013264, MONDO:0010679, OMIM 310200.

Submission:

Labcorp Genetics (formerly Invitae), Labcorp
Classification: Pathogenic for Duchenne muscular dystrophy. Last evaluated: 2018-03-08. Review status: criteria provided, single submitter. Criteria: Invitae Variant Classification Sherloc (09022015). Collection method: clinical testing. Allele origin: germline.
Comment: This variant is an in-frame deletion of the genomic region encompassing exons 48-55 of the DMD gene. It preserves the integrity of the reading frame. This variant has been reported in an individual affected with Duchenne or Becker muscular dystrophy (PMID: 24928015) and inÂ¬â€ an individual affected with dilated cardiomyopathy (PMID:21851881). A smaller, overlapping in-frame deletion (Exons 48-53) has been determined to be pathogenic (PMID: 19907931, 18663755, 17854090,Â¬â€ 10841222). This suggests other larger in-frame deletions of this region may also be pathogenic. For these reasons, this variant has been classified as Pathogenic.

Literature cited by the submitters: PubMed 24928015; PubMed 17854090; PubMed 18663755; PubMed 21851881; PubMed 19907931.

NC_000023.11:g.(?_31609621)_(31875393_?)del

Genes: DMD (dystrophin; minus strand), LOC129391296 (MPRA-validated peak7373 silencer; plus strand). Cytogenetic location: Xp21.1.
Variant type: Deletion.
Identifiers: ClinVar variation 584039 (VCV000584039.1).